The following is an entry in ClinVar:

NM_005506.4(SCARB2):c.825-3C>T

Gene: SCARB2 (scavenger receptor class B member 2; minus strand). Cytogenetic location: 4q21.1.
Variant type: single nucleotide variant.
Coding change: c.825-3C>T on transcript NM_005506.4 (MANE Select); 3 bases into the intron before coding-DNA position 825, C replaced by T.
Molecular consequence: intron variant.
Genome position (GRCh38, 1-based): chr4:76,174,316, G>A on the plus strand (C>T on the coding strand, the complement: SCARB2 is on the minus strand). VCF-style: chr4-76174316-G-A. GRCh37 (hg19) VCF-style: chr4-77095469-G-A.
Other names: c.396-3C>T (NM_001204255.2).
Identifiers: ClinVar variation 642946 (VCV000642946.2), dbSNP rs772593602, ClinGen allele CA2970244.

ClinVar aggregate classification (germline): Uncertain significance. Review status: criteria provided, multiple submitters, no conflicts (2 of 4 stars). 2 submissions from 2 submitters: Uncertain significance (2). Last evaluated 2021-02-01.

Conditions:
Progressive myoclonic epilepsy. Also called: Familial progressive myoclonic epilepsy; Progressive myoclonus epilepsy; Myoclonic Epilepsies, Progressive; Myoclonus epilepsy. Identifiers: Orphanet 308, Orphanet 98261, MedGen C0751778, MONDO:0020074.

Allele frequency attached by ClinVar (database versions not stated): gnomAD exomes 0.00002 and 0.00001; TOPMed 0.00001; ExAC 0.00002; gnomAD 0.00002.
gnomAD v4.1: 27 of 1,613,762 alleles (0.0017%); highest among the groups gnomAD compares: Non-Finnish European, 0.0021%; no homozygotes.

Submissions (2):

Blueprint Genetics
Classification: Uncertain significance. Last evaluated: 2021-02-01. Review status: criteria provided, single submitter. Criteria: ACMG Guidelines, 2015. Collection method: clinical testing. Allele origin: germline.

Labcorp Genetics (formerly Invitae), Labcorp
Classification: Uncertain significance for Progressive myoclonic epilepsy. Last evaluated: 2018-11-30. Review status: criteria provided, single submitter. Criteria: Invitae Variant Classification Sherloc (09022015). Collection method: clinical testing. Allele origin: germline.
Comment: This sequence change falls in intron 6 of the SCARB2 gene. It does not directly change the encoded amino acid sequence of the SCARB2 protein, but it affects a nucleotide within the consensus splice site of the intron. This variant is present in population databases (rs772593602, ExAC 0.005%). This variant has not been reported in the literature in individuals with SCARB2-related conditions. Nucleotide substitutions within the consensus splice site are a relatively common cause of aberrant splicing (PMID: 17576681, 9536098). Algorithms developed to predict the effect of sequence changes on RNA splicing suggest that this variant is not likely to affect RNA splicing, but this prediction has not been confirmed by published transcriptional studies. In summary, the available evidence is currently insufficient to determine the role of this variant in disease. Therefore, it has been classified as a Variant of Uncertain Significance.